The following is an entry in ClinVar:

ClinVar aggregate classification (germline): Conflicting classifications of pathogenicity. Review status: criteria provided, conflicting classifications (1 of 4 stars). 3 submissions from 3 submitters: Uncertain significance (2); Likely benign (1). Last evaluated 2022-06-27.

Conditions:
Infantile-onset ascending hereditary spastic paralysis (IAHSP). Also called: Autosomal Recessive Juvenile Amyotrophic Lateral Sclerosis; Infantile-Onset Ascending Hereditary Spastic Paralysis (IAHSP). Identifiers: Orphanet 293168, MedGen C2931441, MONDO:0011797, OMIM 607225. Disease mechanism: loss of function.
Inborn genetic diseases. Identifiers: MedGen C0950123, MeSH D030342.

Allele frequency attached by ClinVar (database versions not stated): ExAC 0.00002; gnomAD exomes 0.00002; TOPMed 0.00003; ESP Exome Variant Server 0.00008.
gnomAD v4.1: 43 of 1,614,050 alleles (0.0027%); highest among the groups gnomAD compares: African/African-American, 0.016%; no homozygotes.

Submissions (3):

Labcorp Genetics (formerly Invitae), Labcorp
Classification: Uncertain significance for Infantile-onset ascending hereditary spastic paralysis. Last evaluated: 2022-06-27. Review status: criteria provided, single submitter. Criteria: Invitae Variant Classification Sherloc (09022015). Collection method: clinical testing. Allele origin: germline.
Comment: This sequence change replaces isoleucine, which is neutral and non-polar, with valine, which is neutral and non-polar, at codon 30 of the ALS2 protein (p.Ile30Val). This variant is present in population databases (rs199947290, gnomAD 0.02%). This variant has not been reported in the literature in individuals affected with ALS2-related conditions. ClinVar contains an entry for this variant (Variation ID: 839228). Algorithms developed to predict the effect of missense changes on protein structure and function output the following: SIFT: "Tolerated"; PolyPhen-2: "Benign"; Align-GVGD: "Class C0". The valine amino acid residue is found in multiple mammalian species, which suggests that this missense change does not adversely affect protein function. In summary, the available evidence is currently insufficient to determine the role of this variant in disease. Therefore, it has been classified as a Variant of Uncertain Significance.

Ambry Genetics
Classification: Likely benign for Inborn genetic diseases. Last evaluated: 2022-04-07. Review status: criteria provided, single submitter. Criteria: Ambry Variant Classification Scheme 2023. Collection method: clinical testing. Allele origin: germline.

CeGaT Center for Human Genetics Tuebingen
Classification: Uncertain significance. Last evaluated: 2020-10-01. Review status: criteria provided, single submitter. Criteria: CeGaT Center For Human Genetics Tuebingen Variant Classification Criteria Version 2. Collection method: clinical testing. Allele origin: germline. Affected: yes. Observed: 1 variant allele.

NM_020919.4(ALS2):c.88A>G (p.Ile30Val)

Gene: ALS2 (alsin Rho guanine nucleotide exchange factor ALS2; minus strand). Cytogenetic location: 2q33.1.
Variant type: single nucleotide variant.
Coding change: c.88A>G on transcript NM_020919.4 (MANE Select); coding-DNA position 88, A replaced by G.
Protein change: p.Ile30Val; replaces isoleucine 30 with valine.
Molecular consequence: missense variant.
Genome position (GRCh38, 1-based): chr2:201,767,316, T>C on the plus strand (A>G on the coding strand, the complement: ALS2 is on the minus strand). VCF-style: chr2-201767316-T-C. GRCh37 (hg19) VCF-style: chr2-202632039-T-C.
Other names: c.88A>G, p.Ile30Val (NM_001135745.2); short protein forms I30V.
Identifiers: ClinVar variation 839228 (VCV000839228.42), dbSNP rs199947290, ClinGen allele CA2058730.